The following is an entry in ClinVar:

ClinVar aggregate classification (germline): Uncertain significance (1 of 4 stars; one submission).

gnomAD v4.1: 2 of 1,613,548 alleles (0.00012%); highest among the groups gnomAD compares: Admixed American, 0.0017%; no homozygotes.

Submission:

Labcorp Genetics (formerly Invitae), Labcorp
Classification: Uncertain significance. Last evaluated: 2025-12-02. Review status: criteria provided, single submitter. Criteria: Invitae Variant Classification Sherloc (09022015). Collection method: clinical testing. Allele origin: germline.
Comment: This sequence change replaces tyrosine, which is neutral and polar, with phenylalanine, which is neutral and non-polar, at codon 196 of the ELOVL4 protein (p.Tyr196Phe). This variant is not present in population databases (gnomAD no frequency). This variant has not been reported in the literature in individuals affected with ELOVL4-related conditions. Invitae Evidence Modeling of protein sequence and biophysical properties (such as structural, functional, and spatial information, amino acid conservation, physicochemical variation, residue mobility, and thermodynamic stability) indicates that this missense variant is expected to disrupt ELOVL4 protein function with a positive predictive value of 80%. In summary, the available evidence is currently insufficient to determine the role of this variant in disease. Therefore, it has been classified as a Variant of Uncertain Significance.

NM_022726.4(ELOVL4):c.587A>T (p.Tyr196Phe)

Gene: ELOVL4 (ELOVL fatty acid elongase 4; minus strand). Cytogenetic location: 6q14.1.
Variant type: single nucleotide variant.
Coding change: c.587A>T on transcript NM_022726.4 (MANE Select); coding-DNA position 587, A replaced by T.
Protein change: p.Tyr196Phe; replaces tyrosine 196 with phenylalanine.
Molecular consequence: missense variant.
Genome position (GRCh38, 1-based): chr6:79,919,502, T>A on the plus strand (A>T on the coding strand, the complement: ELOVL4 is on the minus strand). VCF-style: chr6-79919502-T-A. GRCh37 (hg19) VCF-style: chr6-80629219-T-A.
Other names: short protein forms Y196F.
Identifiers: ClinVar variation 4759637 (VCV004759637.1).
Genomic context (GRCh38, chr6:79,919,502, plus strand): 5'-CGTTTCCACCAAAGATATTTCTGAATCCATGGGCCAAATGCAGTTAACCCATAGTATGAG[T>A]ACATAATCACATGGATAAAGGAATTCAACTGGGCTCCAAAAAATGCTTTAGAAAAACAAC-3'
Protein context (NP_073563.1, residues 186-206): QLNSFIHVIM[Tyr196Phe]SYYGLTAFGP